The following is an entry in ClinVar:

ClinVar aggregate classification (germline): Uncertain significance (1 of 4 stars; one submission).

gnomAD v4.1: 5 of 1,039,718 alleles (0.00048%); highest among the groups gnomAD compares: Non-Finnish European, 0.00058%; no homozygotes.

Submission:

Dasa
Classification: Uncertain significance. Last evaluated: 2025-10-12. Review status: criteria provided, single submitter. Criteria: DASA Assertion Criteria. Collection method: clinical testing. Allele origin: germline.
Comment: NM_001281494.2(MSH6):c.-786G>T is an intronic variant. This variant is rare in population databases. The currently available literature and clinical evidence are not sufficient to establish a definitive association between this variant and the reported condition. Therefore, this variant is classified as a variant of uncertain significance.

NM_000179.3(MSH6):c.260+469G>T

Gene: MSH6 (mutS homolog 6; plus strand). Cytogenetic location: 2p16.3.
Variant type: single nucleotide variant.
Coding change: c.260+469G>T on transcript NM_000179.3 (MANE Select); 469 bases into the intron after coding-DNA position 260, G replaced by T.
Molecular consequence: intron variant. On other transcripts: 5 prime UTR variant (12).
Genome position (GRCh38, 1-based): chr2:47,783,962, G>T. VCF-style: chr2-47783962-G-T. GRCh37 (hg19) VCF-style: chr2-48011101-G-T.
Other names: c.-786G>T (NM_001281494.2); c.-181G>T (NM_001406819.1, NM_001406821.1, NM_001406822.1); c.-82G>T (NM_001406820.1, NM_001406828.1); c.-521G>T (NM_001406823.1); c.-178G>T (NM_001406824.1); c.-277G>T (NM_001406825.1); c.-371G>T (NM_001406826.1); c.-111G>T (NM_001406827.1); and 14 more.
Identifiers: ClinVar variation 5020831 (VCV005020831.1).